The following is an entry in ClinVar:

ClinVar aggregate classification (germline): Uncertain significance (1 of 4 stars; one submission).

Submission:

Labcorp Genetics (formerly Invitae), Labcorp
Classification: Uncertain significance. Last evaluated: 2025-08-25. Review status: criteria provided, single submitter. Criteria: Invitae Variant Classification Sherloc (09022015). Collection method: clinical testing. Allele origin: germline.
Comment: This sequence change replaces tyrosine, which is neutral and polar, with aspartic acid, which is acidic and polar, at codon 208 of the SLC12A2 protein (p.Tyr208Asp). This variant is not present in population databases (gnomAD no frequency). This variant has not been reported in the literature in individuals affected with SLC12A2-related conditions. Invitae Evidence Modeling of protein sequence and biophysical properties (such as structural, functional, and spatial information, amino acid conservation, physicochemical variation, residue mobility, and thermodynamic stability) indicates that this missense variant is not expected to disrupt SLC12A2 protein function with a negative predictive value of 95%. In summary, the available evidence is currently insufficient to determine the role of this variant in disease. Therefore, it has been classified as a Variant of Uncertain Significance.

NM_001046.3(SLC12A2):c.622T>G (p.Tyr208Asp)

Gene: SLC12A2 (solute carrier family 12 member 2; plus strand). Cytogenetic location: 5q23.3.
Variant type: single nucleotide variant.
Coding change: c.622T>G on transcript NM_001046.3 (MANE Select); coding-DNA position 622, T replaced by G.
Protein change: p.Tyr208Asp; replaces tyrosine 208 with aspartic acid.
Molecular consequence: missense variant. On other transcripts: non-coding transcript variant (1).
Genome position (GRCh38, 1-based): chr5:128,084,576, T>G. VCF-style: chr5-128084576-T-G. GRCh37 (hg19) VCF-style: chr5-127420268-T-G.
Other names: c.622T>G, p.Tyr208Asp (NM_001256461.2); short protein forms Y208D.
Identifiers: ClinVar variation 4801541 (VCV004801541.1).
Genomic context (GRCh38, chr5:128,084,576, plus strand): 5'-GGCGGCGGCGGCGGCAGTGGGCACCACCAGCACTACTATTATGATACCCACACCAACACC[T>G]ACTACCTGCGCACCTTCGGCCACAACACCATGGACGCTGTGCCCAGGATCGATCACTACC-3'
Protein context (NP_001037.1, residues 198-218): HYYYDTHTNT[Tyr208Asp]YLRTFGHNTM